The following is an entry in ClinVar:

ClinVar aggregate classification (germline): Uncertain significance (1 of 4 stars; one submission).

Conditions:
Familial episodic pain syndrome with predominantly lower limb involvement. Also called: Episodic pain syndrome, familial, 3. Identifiers: Orphanet 391384, Orphanet 391392, MedGen C3809899, MONDO:0014247, OMIM 615552.
Hereditary sensory and autonomic neuropathy type 7. Also called: Neuropathy, hereditary sensory and autonomic, type VII; HSAN VII. Identifiers: Orphanet 391397, MedGen C3809882, MONDO:0014244, OMIM 615548.

Submission:

Labcorp Genetics (formerly Invitae), Labcorp
Classification: Uncertain significance for Familial episodic pain syndrome with predominantly lower limb involvement; Hereditary sensory and autonomic neuropathy type 7. Last evaluated: 2023-12-14. Review status: criteria provided, single submitter. Criteria: Invitae Variant Classification Sherloc (09022015). Collection method: clinical testing. Allele origin: unknown.
Comment: This variant results in a copy number gain of the genomic region encompassing exon(s) 26 of the SCN11A gene. This region includes the termination codon of the gene. This copy number gain extends beyond the assayed region for this gene and therefore may encompass additional genes. As the precise location of this event is unknown, it may be in tandem or it may be located elsewhere in the genome. This variant has not been reported in the literature in individuals affected with SCN11A-related conditions. Experimental studies and prediction algorithms are not available or were not evaluated, and the functional significance of this variant is currently unknown. In summary, the available evidence is currently insufficient to determine the role of this variant in disease. Therefore, it has been classified as a Variant of Uncertain Significance.

NC_000003.11:g.(?_38888185)_(38889253_?)del

Gene: SCN11A (sodium voltage-gated channel alpha subunit 11; minus strand). Cytogenetic location: 3p22.2.
Variant type: Deletion.
Identifiers: ClinVar variation 3246932 (VCV003246932.1).